The following is an entry in ClinVar:

ClinVar aggregate classification (germline): Uncertain significance (1 of 4 stars; one submission).

Conditions:
Neuromuscular disease caused by qualitative or quantitative defects of dysferlin. Also called: Dysferlinopathy; Qualitative or quantitative defects of dysferlin. Identifiers: Orphanet 207073, MedGen C2931687, MONDO:0016145.

Submission:

Labcorp Genetics (formerly Invitae), Labcorp
Classification: Uncertain significance for Neuromuscular disease caused by qualitative or quantitative defects of dysferlin. Last evaluated: 2024-09-05. Review status: criteria provided, single submitter. Criteria: Invitae Variant Classification Sherloc (09022015). Collection method: clinical testing. Allele origin: germline.
Comment: This sequence change replaces glutamine, which is neutral and polar, with glutamic acid, which is acidic and polar, at codon 813 of the DYSF protein (p.Gln813Glu). This variant is not present in population databases (gnomAD no frequency). This missense change has been observed in individual(s) with clinical features of muscular dystrophy (PMID: 34628793). ClinVar contains an entry for this variant (Variation ID: 1063275). Invitae Evidence Modeling of protein sequence and biophysical properties (such as structural, functional, and spatial information, amino acid conservation, physicochemical variation, residue mobility, and thermodynamic stability) indicates that this missense variant is not expected to disrupt DYSF protein function with a negative predictive value of 95%. In summary, the available evidence is currently insufficient to determine the role of this variant in disease. Therefore, it has been classified as a Variant of Uncertain Significance.

Literature cited by the submitters: PubMed 34628793.

NM_001130987.2(DYSF):c.2491C>G (p.Gln831Glu)

Gene: DYSF (dysferlin; plus strand). Cytogenetic location: 2p13.2.
Variant type: single nucleotide variant.
Coding change: c.2491C>G on transcript NM_001130987.2 (MANE Select); coding-DNA position 2491, C replaced by G.
Protein change: p.Gln831Glu; replaces glutamine 831 with glutamic acid.
Molecular consequence: missense variant.
Genome position (GRCh38, 1-based): chr2:71,564,139, C>G. VCF-style: chr2-71564139-C-G. GRCh37 (hg19) VCF-style: chr2-71791269-C-G.
Other names: c.2440C>G, p.Gln814Glu (NM_001130455.2, NM_001130983.2); c.2395C>G, p.Gln799Glu (NM_001130976.2, NM_001130977.2); c.2437C>G, p.Gln813Glu (NM_001130978.2, NM_003494.4); c.2530C>G, p.Gln844Glu (NM_001130979.2); c.2488C>G, p.Gln830Glu (NM_001130980.2, NM_001130981.2); c.2533C>G, p.Gln845Glu (NM_001130982.2); c.2398C>G, p.Gln800Glu (NM_001130984.2, NM_001130986.2); c.2491C>G, p.Gln831Glu (NM_001130985.2); short protein forms Q799E, Q800E, Q813E, Q814E, Q830E, Q831E, Q844E, Q845E.
Identifiers: ClinVar variation 1063275 (VCV001063275.6), dbSNP rs2152806432, ClinGen allele CA347211426.